The following is an entry in ClinVar:

NM_001368882.1(COL13A1):c.929G>A (p.Arg310Gln)

Gene: COL13A1 (collagen type XIII alpha 1 chain; plus strand). Cytogenetic location: 10q22.1.
Variant type: single nucleotide variant.
Coding change: c.929G>A on transcript NM_001368882.1 (MANE Select); coding-DNA position 929, G replaced by A.
Protein change: p.Arg310Gln; replaces arginine 310 with glutamine.
Molecular consequence: missense variant.
Genome position (GRCh38, 1-based): chr10:69,917,296, G>A. VCF-style: chr10-69917296-G-A. GRCh37 (hg19) VCF-style: chr10-71677052-G-A.
Other names: c.959G>A, p.Arg320Gln (NM_001130103.2); c.929G>A, p.Arg310Gln (NM_001320951.2, NM_001368884.1); c.893G>A, p.Arg298Gln (NM_001368883.1, NM_001368885.1, NM_080801.4 and 1 more transcripts); c.329G>A, p.Arg110Gln (NM_001368886.1); c.839G>A, p.Arg280Gln (NM_001368895.1); c.788G>A, p.Arg263Gln (NM_001368896.1, NM_001368898.1, NM_080798.4); c.815G>A, p.Arg272Gln (NM_001368897.1); c.902G>A, p.Arg301Gln (NM_080800.4); and 1 more; short protein forms R110Q, R272Q, R280Q, R298Q, R301Q, R263Q, R269Q, R310Q.
Identifiers: ClinVar variation 1350609 (VCV001350609.4), dbSNP rs199641433, ClinGen allele CA5534507.

ClinVar aggregate classification (germline): Uncertain significance (1 of 4 stars; one submission).

Allele frequency attached by ClinVar (database versions not stated): gnomAD exomes 0.00016 and 0.00031; 1000 Genomes Project 0.00040; ExAC 0.00040; 1000 Genomes Project 30x 0.00047; gnomAD 0.00080 and 0.00085; ESP Exome Variant Server 0.00081; TOPMed 0.00091.
gnomAD v4.1: 364 of 1,613,578 alleles (0.023%); highest among the groups gnomAD compares: African/African-American, 0.24%; no homozygotes.

Submission:

Labcorp Genetics (formerly Invitae), Labcorp
Classification: Uncertain significance. Last evaluated: 2026-01-05. Review status: criteria provided, single submitter. Criteria: Invitae Variant Classification Sherloc (09022015). Collection method: clinical testing. Allele origin: germline.
Comment: This sequence change replaces arginine, which is basic and polar, with glutamine, which is neutral and polar, at codon 320 of the COL13A1 protein (p.Arg320Gln). This variant is present in population databases (rs199641433, gnomAD 0.2%). This variant has not been reported in the literature in individuals affected with COL13A1-related conditions. ClinVar contains an entry for this variant (Variation ID: 1350609). An algorithm developed to predict the effect of missense changes on protein structure and function (PolyPhen-2) suggests that this variant is likely to be disruptive. In summary, the available evidence is currently insufficient to determine the role of this variant in disease. Therefore, it has been classified as a Variant of Uncertain Significance.